The following is an entry in ClinVar:

Single allele

Genes: STX18 (syntaxin 18; minus strand), STX18-AS1 (STX18 antisense RNA 1 (head to head); plus strand), STX18-IT1 (STX18 intronic transcript 1; minus strand), TADA2B (transcriptional adaptor 2B; plus strand), TBC1D14 (TBC1 domain family member 14; plus strand) and 184 more. Cytogenetic location: 4p16.3-16.1.
Variant type: Deletion.
Identifiers: ClinVar variation 1679802 (VCV001679802.1).

ClinVar aggregate classification (germline): Likely pathogenic (1 of 4 stars; one submission).

Submission:

New York Genome Center
Classification: Likely pathogenic. Last evaluated: 2021-04-30. Review status: criteria provided, single submitter. Criteria: NYGC Assertion Criteria 2020. Collection method: clinical testing. Allele origin: germline. Observed: 1 variant allele. Study: CSER-NYCKidSeq.
Comment: The deleted region contains ~54 genes, 35 of which are protein-coding. Among these, 26 genes are OMIM-annotated, 8 of which are disease-associated (HTT, DOK7, LRPAP1, ADRA2C, MSX1, EVC, EVC2, WFS1). Heterozygous pathogenic variants in MSX1 have been associated with autosomal dominant Ectodermal dysplasia 3, Witkop type [MIM#189500; AD], Orofacial cleft 5 [MIM#608874; AD], and Tooth agenesis, selective, 1, with or without orofacial cleft [MIM#106600; AD]. Pathogenic variants in EVC and EVC2 have been associated with autosomal dominant Weyers acrofacial dysostosis [MIM#193530, AD] as well as autosomal recessive Ellis-van Creveld syndrome [MIM#225500, AR]. Heterozygous pathogenic variants in WFS1 have been associated with autosomal dominant Cataract 41 [MIM#116400; AD], {Diabetes mellitus, noninsulin-dependent, association with} [MIM#125853;AD], Wolfram-like syndrome, autosomal dominant [MIM#614296; AD], and Deafness, autosomal dominant 6/14/38 [MIM#600965; AD]. Further, multiple genes in the deleted region (HTT, KIAA0232, JAKMIP1, CRMP1, TBC1D14, GRPEL1) are constrained for loss of function variants (gnomADv2 pLi >= 0.9). The deleted region was not commonly seen in the online normal human genetic variation database. The exact deletion seen in this individual has not been reported before in the literature, to our knowledge. However, larger distal deletions at 4p16.3 which extend to this region have been seen in Wolf-Hirschhorn syndrome(WHS) [PMID: 24357569]. Based on the gene content and the size of this deletion, it is reported here as Likely Pathogenic.